The following is an entry in ClinVar:

NM_006087.4(TUBB4A):c.1055_1057del (p.Ala352del)

Gene: TUBB4A (tubulin beta 4A class IVa; minus strand). Cytogenetic location: 19p13.3.
Variant type: Deletion.
Coding change: c.1055_1057del on transcript NM_006087.4 (MANE Select); coding-DNA positions 1055 to 1057, 3 bases deleted (CCG; older notation c.1055_1057delCCG).
Protein change: p.Ala352del; deletes alanine 352.
Molecular consequence: inframe deletion.
Genome position (GRCh38, 1-based): chr19:6,495,442-6,495,444, CGG deleted on the plus strand (CCG on the coding strand, the reverse complement: TUBB4A is on the minus strand); deleting any 3 consecutive bases within chr19:6,495,442-6,495,445 gives the same sequence; the c. name uses the placement nearest the transcript's 3' end. VCF-style (leftmost placement, unchanged base first): chr19-6495441-ACGG-A. GRCh37 (hg19) VCF-style: chr19-6495452-ACGG-A.
Other names: c.1055_1057delCCG (NM_006087.4); c.1208_1210del, p.Ala403del (NM_001289123.2); c.1190_1192del, p.Ala397del (NM_001289127.2); c.1055_1057del, p.Ala352del (NM_001289129.2); c.839_841del, p.Ala280del (NM_001289130.2, NM_001289131.2); short protein forms A280del, A352del, A397del, A403del.
Identifiers: ClinVar variation 1305280 (VCV001305280.4), dbSNP rs2145243616, ClinGen allele CA2573054835.
Genomic context (GRCh38, chr19:6,495,441, plus strand): 5'-GCCGTGCTGTTGCCGATGAAGGTCGCGGCCATCTTCAGGCCGCGGGGCGGGATGTCGCAC[ACGG>A]CCGTCTTCACGTTGTTGGGGATCCACTCCACGAAGTAGCTGCTGTTCTTGCTCTGCACGC-3'

ClinVar aggregate classification (germline): Uncertain significance. Review status: criteria provided, multiple submitters, no conflicts (2 of 4 stars). 2 submissions from 2 submitters: Uncertain significance (2). Last evaluated 2025-07-02.

Submissions (2):

Women's Health and Genetics/Laboratory Corporation of America, LabCorp
Classification: Uncertain significance. Last evaluated: 2025-07-02. Review status: criteria provided, single submitter. Criteria: LabCorp Variant Classification Summary - May 2015. Collection method: clinical testing. Allele origin: germline.
Comment: Variant summary: TUBB4A c.1055_1057delCCG (p.Ala352del) results in an in-frame deletion that is predicted to remove one amino acid from the encoded protein. The variant was absent in 251462 control chromosomes. The available data on variant occurrences in the general population are insufficient to allow any conclusion about variant significance. To our knowledge, no occurrence of c.1055_1057delCCG in individuals affected with Leukodystrophy, Hypomyelinating, 6 and no experimental evidence demonstrating its impact on protein function have been reported. ClinVar contains an entry for this variant (Variation ID: 1305280). Based on the evidence outlined above, the variant was classified as uncertain significance.

GeneDx
Classification: Uncertain significance. Last evaluated: 2020-03-17. Review status: criteria provided, single submitter. Criteria: GeneDx Variant Classification Process June 2021. Collection method: clinical testing. Allele origin: germline. Affected: yes.
Comment: Not observed in large population cohorts (Lek et al., 2016); In-frame deletion of 1 amino acid in a non-repeat region; In silico analysis, which includes protein predictors and evolutionary conservation, supports a deleterious effect; Has not been previously published as pathogenic or benign to our knowledge